The following is an entry in ClinVar:

ClinVar aggregate classification (germline): Uncertain significance. Review status: criteria provided, multiple submitters, no conflicts (2 of 4 stars). 3 submissions from 3 submitters: Uncertain significance (3). Last evaluated 2026-08-06.

Conditions:
Inborn genetic diseases. Identifiers: MedGen C0950123, MeSH D030342.
Brown-Vialetto-van Laere syndrome 2. Also called: SPINOCEREBELLAR ATAXIA WITH BLINDNESS AND DEAFNESS 2; Riboflavin transporter deficiency type 2. Identifiers: Orphanet 572543, Orphanet 97229, MedGen C3553538, MONDO:0013867, OMIM 614707.

Allele frequency attached by ClinVar (database versions not stated): TOPMed below 0.00001; ExAC 0.00001; gnomAD 0.00001; gnomAD exomes 0.00001 and 0.00002.

Submissions (3):

OLLIN Analises Genomicas, OLLIN
Classification: Uncertain significance for Brown-Vialetto-van Laere syndrome 2. Last evaluated: 2026-08-06. Review status: criteria provided, single submitter. Criteria: ACMG Guidelines 2015 PMID 25741868. Collection method: clinical testing. Allele origin: germline.
Comment: This missense variant, located in exon 5 (of 5), has been reported in ClinVar (accession VCV001421639.7) and in gnomAD with an allele frequency of 0.00037%. However, to our knowledge, it has not been reported in the scientific literature. In silico analysis is inconclusive regarding the impact of this variant. According to the currently available evidence, this variant has been classified as uncertain significance (PM2_P).

Ambry Genetics
Classification: Uncertain significance for Inborn genetic diseases. Last evaluated: 2022-07-17. Review status: criteria provided, single submitter. Criteria: Ambry Variant Classification Scheme 2023. Collection method: clinical testing. Allele origin: germline.
Comment: The p.S435N variant (also known as c.1304G>A), located in coding exon 4 of the SLC52A2 gene, results from a G to A substitution at nucleotide position 1304. The serine at codon 435 is replaced by asparagine, an amino acid with highly similar properties. This amino acid position is conserved. In addition, this alteration is predicted to be tolerated by in silico analysis. Since supporting evidence is limited at this time, the clinical significance of this alteration remains unclear.

Labcorp Genetics (formerly Invitae), Labcorp
Classification: Uncertain significance for Brown-Vialetto-van Laere syndrome 2. Last evaluated: 2021-12-23. Review status: criteria provided, single submitter. Criteria: Invitae Variant Classification Sherloc (09022015). Collection method: clinical testing. Allele origin: germline.
Comment: This sequence change replaces serine, which is neutral and polar, with asparagine, which is neutral and polar, at codon 435 of the SLC52A2 protein (p.Ser435Asn). This variant is present in population databases (rs782453672, gnomAD 0.01%). This variant has not been reported in the literature in individuals affected with SLC52A2-related conditions. Algorithms developed to predict the effect of missense changes on protein structure and function are either unavailable or do not agree on the potential impact of this missense change (SIFT: "Deleterious"; PolyPhen-2: "Possibly Damaging"; Align-GVGD: "Class C0"). In summary, the available evidence is currently insufficient to determine the role of this variant in disease. Therefore, it has been classified as a Variant of Uncertain Significance.

NM_001363118.2(SLC52A2):c.1304G>A (p.Ser435Asn)

Gene: SLC52A2 (solute carrier family 52 member 2; plus strand). Cytogenetic location: 8q24.3.
Variant type: single nucleotide variant.
Coding change: c.1304G>A on transcript NM_001363118.2 (MANE Select); coding-DNA position 1304, G replaced by A.
Protein change: p.Ser435Asn; replaces serine 435 with asparagine.
Molecular consequence: missense variant. On other transcripts: non-coding transcript variant (1).
Genome position (GRCh38, 1-based): chr8:144,360,981, G>A. VCF-style: chr8-144360981-G-A. GRCh37 (hg19) VCF-style: chr8-145584641-G-A.
Other names: c.1304G>A, p.Ser435Asn (NM_001253815.2, NM_001253816.2, NM_001363120.2 and 2 more transcripts); c.812G>A, p.Ser271Asn (NM_001363122.2); short protein forms S435N, S271N.
Identifiers: ClinVar variation 1421639 (VCV001421639.8), dbSNP rs782453672, ClinGen allele CA4938465.